The following is an entry in ClinVar:

ClinVar aggregate classification (germline): Likely benign. Review status: criteria provided, multiple submitters, no conflicts (2 of 4 stars). 2 submissions from 2 submitters: Likely benign (2). Last evaluated 2024-11-25.

Allele frequency attached by ClinVar (database versions not stated): TOPMed 0.00001; ExAC 0.00002; gnomAD exomes 0.00002; ESP Exome Variant Server 0.00009.
gnomAD v4.1: 18 of 1,211,918 alleles (0.0015%); highest among the groups gnomAD compares: Non-Finnish European, 0.0019%; no homozygotes.

Submissions (2):

Blueprint Genetics
Classification: Likely benign. Last evaluated: 2024-11-25. Review status: criteria provided, single submitter. Criteria: ACMG Guidelines, 2015. Collection method: clinical testing. Allele origin: germline.

CeGaT Center for Human Genetics Tuebingen
Classification: Likely benign. Last evaluated: 2023-06-01. Review status: criteria provided, single submitter. Criteria: CeGaT Center For Human Genetics Tuebingen Variant Classification Criteria Version 2. Collection method: clinical testing. Allele origin: germline. Affected: yes. Observed: 1 variant allele.
Comment: KLHL15: BP4, BP7

NM_030624.3(KLHL15):c.420A>G (p.Leu140=)

Gene: KLHL15 (kelch like family member 15; minus strand). Cytogenetic location: Xp22.11.
Variant type: single nucleotide variant.
Coding change: c.420A>G on transcript NM_030624.3 (MANE Select); coding-DNA position 420, A replaced by G.
Protein change: p.Leu140=; no amino-acid change (leucine 140 retained).
Molecular consequence: synonymous variant.
Genome position (GRCh38, 1-based): chrX:24,006,274, T>C on the plus strand (A>G on the coding strand, the complement: KLHL15 is on the minus strand). VCF-style: chrX-24006274-T-C. GRCh37 (hg19) VCF-style: chrX-24024391-T-C.
Identifiers: ClinVar variation 2571358 (VCV002571358.28), dbSNP rs367816998, ClinGen allele CA10370572.
Genomic context (GRCh38, chrX:24,006,274, plus strand): 5'-GTCTAGCAGAAAGGTGTCTAACTTCTCCCTGACTCCCTCGATGTTTACGCCGAAATCATC[T>C]AAGAGTCTCATAATTTCTGCACAATTTTCTAGGCAGATCTTCGCTAAGAGAAAAGAGCAG-3'
Protein context (NP_085127.2, residues 130-150): LENCAEIMRL[Leu140=]DDFGVNIEGV